The following is an entry in ClinVar:

ClinVar aggregate classification (germline): Likely benign. Review status: criteria provided, single submitter (1 of 4 stars). 2 submissions from 2 submitters: Likely benign (1). 1 of the submissions does not count toward it. Last evaluated 2025-12-22.

Conditions:
Hereditary cancer-predisposing syndrome. Also called: Neoplastic Syndromes, Hereditary; Tumor predisposition; Hereditary neoplastic syndrome; Hereditary Cancer Syndrome. Identifiers: Orphanet 140162, MedGen C0027672, MeSH D009386, MONDO:0015356.

Submissions (2):

Ambry Genetics
Classification: Likely benign for Hereditary cancer-predisposing syndrome. Last evaluated: 2025-12-22. Review status: criteria provided, single submitter. Criteria: Ambry Variant Classification Scheme 2023. Collection method: clinical testing. Allele origin: germline.

Department of Pathology and Laboratory Medicine, Sinai Health System
Classification: Uncertain significance. Review status: no assertion criteria provided. Collection method: clinical testing. Allele origin: unknown. Affected: yes. Study: The Canadian Open Genetics Repository (COGR). Not counted in ClinVar's aggregate classification.
Comment: The MSH6 p.Ile1239= variant was not identified in the literature nor was it identified in the following databases: dbSNP, ClinVar, GeneInsight-COGR, Cosmic, MutDB, UMD-LSDB, Insight Colon Cancer Gene Variant Database, Zhejiang Colon Cancer Database, Mismatch Repair Genes Variant Database, Insight Hereditary Tumors Database, the 1000 Genomes Project, the NHLBI GO Exome Sequencing Project, the Exome Aggregation Consortium (August 8th 2016), or the Genome Aggregation Database (Feb 27, 2017). The p.Ile1239= variant is not expected to have clinical significance because it does not result in a change of amino acid and is not located in a known consensus splice site. In addition, in silico or computational prediction software programs (SpliceSiteFinder, MaxEntScan, NNSPLICE, GeneSplicer, HumanSpliceFinder) do not predict a difference in splicing. In summary, based on the above information the clinical significance of this variant cannot be determined with certainty at this time. This variant is classified as a variant of uncertain significance.

NM_000179.3(MSH6):c.3717A>T (p.Ile1239=)

Gene: MSH6 (mutS homolog 6; plus strand). Cytogenetic location: 2p16.3.
Variant type: single nucleotide variant.
Coding change: c.3717A>T on transcript NM_000179.3 (MANE Select); coding-DNA position 3717, A replaced by T.
Protein change: p.Ile1239=; no amino-acid change (isoleucine 1239 retained).
Molecular consequence: synonymous variant.
Genome position (GRCh38, 1-based): chr2:47,806,274, A>T. VCF-style: chr2-47806274-A-T. GRCh37 (hg19) VCF-style: chr2-48033413-A-T.
Other names: c.3327A>T, p.Ile1109= (NM_001281492.2); c.2811A>T, p.Ile937= (NM_001281493.2, NM_001281494.2).
Identifiers: ClinVar variation 433925 (VCV000433925.2), dbSNP rs1572744771, ClinGen allele CA425997990.